The following is an entry in ClinVar:

ClinVar aggregate classification (germline): Benign/Likely benign. Review status: criteria provided, multiple submitters, no conflicts (2 of 4 stars). 6 submissions from 6 submitters: Benign (1); Likely benign (5). Last evaluated 2025-08-05.

Conditions:
Catecholaminergic polymorphic ventricular tachycardia (CVPT). Also called: Catecholamine-induced polymorphic ventricular tachycardia. Identifiers: Orphanet 3286, MedGen C5574922, MONDO:0017990.
Cardiomyopathy (CMYO). Also called: Cardiomyopathies. Identifiers: Orphanet 167848, MedGen C0878544, MONDO:0004994, HP:0001638. Inheritance: Various modes of inheritance.
Catecholaminergic polymorphic ventricular tachycardia 1. Also called: RYR2-Related Catecholaminergic Polymorphic Ventricular Tachycardia; VENTRICULAR TACHYCARDIA, STRESS-INDUCED POLYMORPHIC 1; VENTRICULAR TACHYCARDIA, CATECHOLAMINERGIC POLYMORPHIC, 1, WITH OR WITHOUT ATRIAL DYSFUNCTION AND/OR DILATED CARDIOMYOPATHY. Identifiers: Orphanet 3286, MedGen C1631597, MONDO:0011484, OMIM 604772.

Allele frequency attached by ClinVar (database versions not stated): gnomAD 0.00004 and 0.00003; TOPMed 0.00004; ESP Exome Variant Server 0.00008; gnomAD exomes 0.00012 and 0.00001.
gnomAD v4.1: 169 of 1,604,522 alleles (0.011%); highest among the groups gnomAD compares: Non-Finnish European, 0.014%; no homozygotes.

Submissions (6):

Labcorp Genetics (formerly Invitae), Labcorp
Classification: Likely benign for Catecholaminergic polymorphic ventricular tachycardia 1. Last evaluated: 2025-08-05. Review status: criteria provided, single submitter. Criteria: Invitae Variant Classification Sherloc (09022015). Collection method: clinical testing. Allele origin: germline.

Women's Health and Genetics/Laboratory Corporation of America, LabCorp
Classification: Likely benign. Last evaluated: 2025-05-05. Review status: criteria provided, single submitter. Criteria: LabCorp Variant Classification Summary - May 2015. Collection method: clinical testing. Allele origin: germline.
Comment: Variant summary: RYR2 c.385-14T>C alters a nucleotide located at a position not widely known to affect splicing. Consensus agreement among computation tools predict no significant impact on normal splicing. However, these predictions have yet to be confirmed by functional studies. The variant allele was found at a frequency of 1.2e-05 in 241560 control chromosomes. The available data on variant occurrences in the general population are insufficient to allow any conclusion about variant significance. To our knowledge, no occurrence of c.385-14T>C in individuals affected with Arrhythmia and no experimental evidence demonstrating its impact on protein function have been reported. ClinVar contains an entry for this variant (Variation ID: 178113). Based on the evidence outlined above, the variant was classified as likely benign.

All of Us Research Program, National Institutes of Health
Classification: Likely benign for Catecholaminergic polymorphic ventricular tachycardia. Last evaluated: 2023-12-13. Review status: criteria provided, single submitter. Criteria: ACMG Guidelines, 2015. Collection method: clinical testing. Allele origin: germline. Inheritance: Autosomal dominant inheritance. Observed: 10 variant alleles, 10 heterozygotes.
Comment: This study involves interpretation of variants in research participants for the purpose of population health screening. Participant phenotype was not available at the time of variant classification. Additional details can be found in publication PMID: 35346344, PMCID: PMC8962531

Color Diagnostics, LLC DBA Color Health
Classification: Likely benign for Cardiomyopathy. Last evaluated: 2019-01-22. Review status: criteria provided, single submitter. Criteria: ACMG Guidelines, 2015. Collection method: clinical testing. Allele origin: germline.

GeneDx
Classification: Benign. Last evaluated: 2014-07-22. Review status: criteria provided, single submitter. Criteria: GeneDx Variant Classification (06012015). Collection method: clinical testing. Allele origin: germline. Affected: yes.
Comment: This variant is considered likely benign or benign based on one or more of the following criteria: it is a conservative change, it occurs at a poorly conserved position in the protein, it is predicted to be benign by multiple in silico algorithms, and/or has population frequency not consistent with disease.

Laboratory for Molecular Medicine, Mass General Brigham Personalized Medicine
Classification: Likely benign. Last evaluated: 2014-06-16. Review status: criteria provided, single submitter. Criteria: LMM Criteria. Collection method: clinical testing. Allele origin: germline. Observed: 1 variant allele.
Comment: 385-14T>C in intron 7 of RYR2: This variant is not expected to have clinical sig nificance because a T>C change at this position does not diverge from the splice consensus sequence and is therefore unlikely to impact splicing. It has been id entified in identified in 1/8280 European American chromosomes by the NHLBI Exom e Sequencing Project (dbSNP rs372287944).

NM_001035.3(RYR2):c.385-14T>C

Gene: RYR2 (ryanodine receptor 2; plus strand). Cytogenetic location: 1q43.
Variant type: single nucleotide variant.
Coding change: c.385-14T>C on transcript NM_001035.3 (MANE Select); 14 bases into the intron before coding-DNA position 385, T replaced by C.
Molecular consequence: intron variant.
Genome position (GRCh38, 1-based): chr1:237,374,703, T>C. VCF-style: chr1-237374703-T-C. GRCh37 (hg19) VCF-style: chr1-237538003-T-C.
Identifiers: ClinVar variation 178113 (VCV000178113.57), dbSNP rs372287944, ClinGen allele CA009378.